The following is an entry in ClinVar:

ClinVar aggregate classification (germline): Conflicting classifications of pathogenicity. Review status: criteria provided, conflicting classifications (1 of 4 stars). 3 submissions from 3 submitters: Uncertain significance (2); Likely benign (1). Last evaluated 2026-01-09.

Conditions:
Hereditary cancer-predisposing syndrome. Also called: Tumor predisposition; Hereditary Cancer Syndrome; Neoplastic Syndromes, Hereditary; Hereditary neoplastic syndrome. Identifiers: Orphanet 140162, MedGen C0027672, MeSH D009386, MONDO:0015356.

Allele frequency attached by ClinVar (database versions not stated): gnomAD exomes below 0.00001; ESP Exome Variant Server 0.00008.
gnomAD v4.1: 4 of 1,613,224 alleles (0.00025%); highest among the groups gnomAD compares: Non-Finnish European, 0.00025%; no homozygotes.

Submissions (3):

Ambry Genetics
Classification: Uncertain significance for Hereditary cancer-predisposing syndrome. Last evaluated: 2026-01-09. Review status: criteria provided, single submitter. Criteria: Ambry Variant Classification Scheme 2023. Collection method: clinical testing. Allele origin: germline.
Comment: The c.3583-3C>T intronic variant results from a C to T substitution 3 nucleotides upstream from coding exon 30 in the POLE gene. This nucleotide position is not well conserved in available vertebrate species. In silico splice site analysis predicts that this alteration will not have any significant effect on splicing. Based on the available evidence, the clinical significance of this variant remains unclear.

Labcorp Genetics (formerly Invitae), Labcorp
Classification: Likely benign. Last evaluated: 2025-12-31. Review status: criteria provided, single submitter. Criteria: Invitae Variant Classification Sherloc (09022015). Collection method: clinical testing. Allele origin: germline.

Institute for Clinical Genetics, University Hospital TU Dresden, University Hospital TU Dresden
Classification: Uncertain significance. Last evaluated: 2021-11-03. Review status: criteria provided, single submitter. Criteria: ACMG Guidelines, 2015. Collection method: clinical testing. Allele origin: germline.

NM_006231.4(POLE):c.3583-3C>T

Gene: POLE (DNA polymerase epsilon, catalytic subunit; minus strand). Cytogenetic location: 12q24.33.
Variant type: single nucleotide variant.
Coding change: c.3583-3C>T on transcript NM_006231.4 (MANE Select); 3 bases into the intron before coding-DNA position 3583, C replaced by T.
Molecular consequence: intron variant.
Genome position (GRCh38, 1-based): chr12:132,649,892, G>A on the plus strand (C>T on the coding strand, the complement: POLE is on the minus strand). VCF-style: chr12-132649892-G-A. GRCh37 (hg19) VCF-style: chr12-133226478-G-A.
Identifiers: ClinVar variation 484537 (VCV000484537.17), dbSNP rs371139965, ClinGen allele CA246310679.
Genomic context (GRCh38, chr12:132,649,892, plus strand): 5'-CCTCCATGTCAGGAGCACTTGGCCTCGGACTGTCTTCTGAGGCCTCGGCCATCGTGACCT[G>A]GAAAGACCCAGTGAAGCCTTAAATCTCAGGATCTCGGGCTGCGCAGGGTGGCTCATGCCT-3'